The following is an entry in ClinVar:

NM_001267550.2(TTN):c.14873A>G (p.Tyr4958Cys)

Gene: TTN (titin; minus strand). Cytogenetic location: 2q31.2.
Variant type: single nucleotide variant.
Coding change: c.14873A>G on transcript NM_001267550.2 (MANE Select); coding-DNA position 14873, A replaced by G.
Protein change: p.Tyr4958Cys; replaces tyrosine 4958 with cysteine.
Molecular consequence: missense variant. On other transcripts: intron variant (3).
Genome position (GRCh38, 1-based): chr2:178,735,573, T>C on the plus strand (A>G on the coding strand, the complement: TTN is on the minus strand). VCF-style: chr2-178735573-T-C. GRCh37 (hg19) VCF-style: chr2-179600300-T-C.
Other names: c.14873A>G (LRG_391t1); c.13922A>G, p.Tyr4641Cys (NM_001256850.1); c.11141A>G, p.Tyr3714Cys (NM_133378.4); c.13282+2509A>G (NM_003319.4); c.13858+2509A>G (NM_133437.4); c.13657+2509A>G (NM_133432.3); short protein forms Y4958C, Y3714C, Y4641C.
Identifiers: ClinVar variation 535184 (VCV000535184.13), dbSNP rs530572005, ClinGen allele CA2002333.

ClinVar aggregate classification (germline): Conflicting classifications of pathogenicity. Review status: criteria provided, conflicting classifications (1 of 4 stars). 11 submissions from 7 submitters: Uncertain significance (6); Benign (1); Likely benign (2). 2 of the submissions do not count toward it. Last evaluated 2026-07-10.

Conditions:
Early-onset myopathy with fatal cardiomyopathy (CMYO5). Also called: CONGENITAL MYOPATHY 5 WITH CARDIOMYOPATHY; Salih Myopathy. Identifiers: Orphanet 289377, MedGen C2673677, MONDO:0012714, OMIM 611705. Disease mechanism: loss of function.
Myopathy, myofibrillar, 9, with early respiratory failure (MFM9). Also called: Myopathy, distal, with early respiratory failure, autosomal dominant; EDSTROM MYOPATHY; Hereditary myopathy with early respiratory failure; MYOPATHY, PROXIMAL, WITH EARLY RESPIRATORY MUSCLE INVOLVEMENT. Identifiers: Orphanet 178464, Orphanet 34521, MedGen C1863599, MONDO:0011362, OMIM 603689.
Autosomal recessive limb-girdle muscular dystrophy type 2J (LGMDR10). Also called: MUSCULAR DYSTROPHY, LIMB-GIRDLE, AUTOSOMAL RECESSIVE 10; Limb-girdle muscular dystrophy, type 2J. Identifiers: Orphanet 140922, MedGen C1837342, MONDO:0012127, OMIM 608807.
Dilated cardiomyopathy 1G (CMD1G). Identifiers: Orphanet 154, MedGen C1858763, MONDO:0011400, OMIM 604145.
Tibial muscular dystrophy (TMD). Also called: Udd Distal Myopathy – Tibial Muscular Dystrophy; Tibial muscular dystrophy, tardive; UDD MYOPATHY. Identifiers: Orphanet 609, MedGen C1838244, MONDO:0010870, OMIM 600334.
TTN-related disorder. Also called: TTN-related condition; TTN-related disease; TTN-related disorders.

Allele frequency attached by ClinVar (database versions not stated): gnomAD 0.00002; gnomAD exomes 0.00002 and 0.00004; ExAC 0.00003; TOPMed below 0.00001.
gnomAD v4.1: 66 of 1,612,664 alleles (0.0041%); highest among the groups gnomAD compares: Non-Finnish European, 0.0054%; no homozygotes.

Submissions (11):

PreventionGenetics, part of Exact Sciences
Classification: Uncertain significance for TTN-related condition. Last evaluated: 2026-07-10. Review status: criteria provided, single submitter. Criteria: ACMG Guidelines, 2015. Collection method: clinical testing. Allele origin: germline.
Comment: The TTN c.14873A>G variant is predicted to result in the amino acid substitution p.Tyr4958Cys. To our knowledge, this variant has not been reported in the literature. This variant is reported in 0.0039% of alleles in individuals of European (Non-Finnish) descent in gnomAD. At this time, the clinical significance of this variant is uncertain due to the absence of conclusive functional and genetic evidence.

Blueprint Genetics
Classification: Likely benign. Last evaluated: 2023-06-28. Review status: criteria provided, single submitter. Criteria: ACMG Guidelines, 2015. Collection method: clinical testing. Allele origin: germline.

Athena Diagnostics
Classification: Uncertain significance. Last evaluated: 2018-03-29. Review status: criteria provided, single submitter. Criteria: Athena Diagnostics Criteria. Collection method: clinical testing. Allele origin: germline.

Illumina Laboratory Services, Illumina
Classification: Likely benign for Myopathy, myofibrillar, 9, with early respiratory failure. Last evaluated: 2018-01-13. Review status: criteria provided, single submitter. Criteria: ICSL Variant Classification Criteria 13 December 2019. Collection method: clinical testing. Allele origin: germline.
Comment: This variant was observed in the ICSL laboratory as part of a predisposition screen in an ostensibly healthy population. It had not been previously curated by ICSL or reported in the Human Gene Mutation Database (HGMD: prior to June 1st, 2018), and was therefore a candidate for classification through an automated scoring system. Utilizing variant allele frequency, disease prevalence and penetrance estimates, and inheritance mode, an automated score was calculated to assess if this variant is too frequent to cause the disease. Based on the score and internal cut-off values, a variant classified as likely benign is not then subjected to further curation. The score for this variant resulted in a classification of likely benign for this disease.

Illumina Laboratory Services, Illumina
Classification: Uncertain significance for Dilated cardiomyopathy 1G. Last evaluated: 2018-01-13. Review status: criteria provided, single submitter. Criteria: ICSL Variant Classification Criteria 13 December 2019. Collection method: clinical testing. Allele origin: germline.

Illumina Laboratory Services, Illumina
Classification: Uncertain significance for Autosomal recessive limb-girdle muscular dystrophy type 2J. Last evaluated: 2018-01-13. Review status: criteria provided, single submitter. Criteria: ICSL Variant Classification Criteria 13 December 2019. Collection method: clinical testing. Allele origin: germline.

Illumina Laboratory Services, Illumina
Classification: Benign for Tibial muscular dystrophy. Last evaluated: 2018-01-13. Review status: criteria provided, single submitter. Criteria: ICSL Variant Classification Criteria 13 December 2019. Collection method: clinical testing. Allele origin: germline.
Comment: This variant was observed in the ICSL laboratory as part of a predisposition screen in an ostensibly healthy population. It had not been previously curated by ICSL or reported in the Human Gene Mutation Database (HGMD: prior to June 1st, 2018), and was therefore a candidate for classification through an automated scoring system. Utilizing variant allele frequency, disease prevalence and penetrance estimates, and inheritance mode, an automated score was calculated to assess if this variant is too frequent to cause the disease. Based on the score and internal cut-off values, a variant classified as benign is not then subjected to further curation. The score for this variant resulted in a classification of benign for this disease.

Illumina Laboratory Services, Illumina
Classification: Uncertain significance for Early-onset myopathy with fatal cardiomyopathy. Last evaluated: 2018-01-13. Review status: criteria provided, single submitter. Criteria: ICSL Variant Classification Criteria 13 December 2019. Collection method: clinical testing. Allele origin: germline.

Labcorp Genetics (formerly Invitae), Labcorp
Classification: Uncertain significance for Dilated cardiomyopathy 1G; Autosomal recessive limb-girdle muscular dystrophy type 2J. Last evaluated: 2017-10-10. Review status: criteria provided, single submitter. Criteria: Invitae Variant Classification Sherloc (09022015). Collection method: clinical testing. Allele origin: germline.

Clinical Genetics, Academic Medical Center
Classification: Uncertain significance. Review status: no assertion criteria provided. Collection method: clinical testing. Allele origin: germline. Affected: yes. Study: VKGL Data-share Consensus. Not counted in ClinVar's aggregate classification.

Diagnostic Laboratory, Department of Genetics, University Medical Center Groningen
Classification: Uncertain significance. Review status: no assertion criteria provided. Collection method: clinical testing. Allele origin: germline. Affected: yes. Study: VKGL Data-share Consensus. Not counted in ClinVar's aggregate classification.